The following is an entry in ClinVar:

NM_153603.4(COG7):c.1946A>G (p.Asp649Gly)

Gene: COG7 (component of oligomeric golgi complex 7; minus strand). Cytogenetic location: 16p12.2.
Variant type: single nucleotide variant.
Coding change: c.1946A>G on transcript NM_153603.4 (MANE Select); coding-DNA position 1946, A replaced by G.
Protein change: p.Asp649Gly; replaces aspartic acid 649 with glycine.
Molecular consequence: missense variant.
Genome position (GRCh38, 1-based): chr16:23,393,289, T>C on the plus strand (A>G on the coding strand, the complement: COG7 is on the minus strand). VCF-style: chr16-23393289-T-C. GRCh37 (hg19) VCF-style: chr16-23404610-T-C.
Other names: short protein forms D649G.
Identifiers: ClinVar variation 1995330 (VCV001995330.4), dbSNP rs1596905308, ClinGen allele CA395116858.

ClinVar aggregate classification (germline): Uncertain significance (1 of 4 stars; one submission).

Conditions:
COG7 congenital disorder of glycosylation (CDG2E). Also called: CONGENITAL DISORDER OF GLYCOSYLATION, TYPE IIe; CDG IIe. Identifiers: Orphanet 79333, MedGen C2931010, MONDO:0012118, OMIM 608779.

Allele frequency attached by ClinVar (database versions not stated): gnomAD exomes below 0.00001.
gnomAD v4.1: 1 of 1,613,994 alleles (0.000062%); highest among the groups gnomAD compares: East Asian, 0.0022%; no homozygotes.

Submission:

Labcorp Genetics (formerly Invitae), Labcorp
Classification: Uncertain significance for COG7 congenital disorder of glycosylation. Last evaluated: 2022-05-16. Review status: criteria provided, single submitter. Criteria: Invitae Variant Classification Sherloc (09022015). Collection method: clinical testing. Allele origin: germline.
Comment: In summary, the available evidence is currently insufficient to determine the role of this variant in disease. Therefore, it has been classified as a Variant of Uncertain Significance. Algorithms developed to predict the effect of missense changes on protein structure and function are either unavailable or do not agree on the potential impact of this missense change (SIFT: "Tolerated"; PolyPhen-2: "Possibly Damaging"; Align-GVGD: "Class C0"). This variant has not been reported in the literature in individuals affected with COG7-related conditions. This variant is not present in population databases (gnomAD no frequency). This sequence change replaces aspartic acid, which is acidic and polar, with glycine, which is neutral and non-polar, at codon 649 of the COG7 protein (p.Asp649Gly).